The following is an entry in ClinVar:

ClinVar aggregate classification (germline): Pathogenic (1 of 4 stars; one submission).

Conditions:
Deficiency of acetyl-CoA acetyltransferase. Also called: Beta-ketothiolase deficiency; MITOCHONDRIAL ACETOACETYL-CoA THIOLASE DEFICIENCY; 3-KETOTHIOLASE DEFICIENCY; 3-OXOTHIOLASE DEFICIENCY. Identifiers: Orphanet 134, MedGen C1536500, MONDO:0008760, OMIM 203750. Disease mechanism: loss of function.

Submission:

Labcorp Genetics (formerly Invitae), Labcorp
Classification: Pathogenic for Deficiency of acetyl-CoA acetyltransferase. Last evaluated: 2023-05-21. Review status: criteria provided, single submitter. Criteria: Invitae Variant Classification Sherloc (09022015). Collection method: clinical testing. Allele origin: germline.
Comment: For these reasons, this variant has been classified as Pathogenic. This variant has not been reported in the literature in individuals affected with ACAT1-related conditions. This variant is not present in population databases (gnomAD no frequency). This sequence change creates a premature translational stop signal (p.Ala207Hisfs*36) in the ACAT1 gene. It is expected to result in an absent or disrupted protein product. Loss-of-function variants in ACAT1 are known to be pathogenic (PMID: 7749408).

Literature cited by the submitters: PubMed 7749408.

NM_000019.4(ACAT1):c.619del (p.Ala207fs)

Gene: ACAT1 (acetyl-CoA acetyltransferase 1; plus strand). Cytogenetic location: 11q22.3.
Variant type: Deletion.
Coding change: c.619del on transcript NM_000019.4 (MANE Select); coding-DNA position 619, one base deleted (G; older notation c.619delG).
Protein change: p.Ala207fs; shifts the reading frame from alanine 207.
Molecular consequence: frameshift variant. On other transcripts: non-coding transcript variant (2).
Genome position (GRCh38, 1-based): chr11:108,140,104, G deleted. VCF-style (leftmost placement, unchanged base first): chr11-108140103-TG-T. GRCh37 (hg19) VCF-style: chr11-108010830-TG-T.
Other names: c.619del, p.Ala207fs (NM_001386677.1); c.304del, p.Ala102fs (NM_001386678.1); c.322del, p.Ala108fs (NM_001386679.1); c.349del, p.Ala117fs (NM_001386681.1, NM_001386682.1, NM_001386685.1 and 6 more transcripts); short protein forms A102fs, A108fs, A117fs, A207fs.
Identifiers: ClinVar variation 2866644 (VCV002866644.3), dbSNP rs2496621601, ClinGen allele CA2739270883.